The following is an entry in ClinVar:

NM_144988.4(ALG14):c.245A>G (p.Asn82Ser)

Genes: ALG14 (ALG14 UDP-N-acetylglucosaminyltransferase subunit; minus strand), ALG14-AS1 (ALG14 antisense RNA 1; plus strand). Cytogenetic location: 1p21.3.
Variant type: single nucleotide variant.
Coding change: c.245A>G on transcript NM_144988.4 (MANE Select); coding-DNA position 245, A replaced by G.
Protein change: p.Asn82Ser; replaces asparagine 82 with serine.
Molecular consequence: missense variant.
Genome position (GRCh38, 1-based): chr1:95,064,909, T>C on the plus strand (A>G on the coding strand, the complement: ALG14 is on the minus strand). VCF-style: chr1-95064909-T-C. GRCh37 (hg19) VCF-style: chr1-95530465-T-C.
Other names: c.245A>G, p.Asn82Ser (NM_001305242.2); short protein forms N82S.
Identifiers: ClinVar variation 842849 (VCV000842849.6), dbSNP rs1192311417, ClinGen allele CA341366570.

ClinVar aggregate classification (germline): Uncertain significance. Review status: criteria provided, multiple submitters, no conflicts (2 of 4 stars). 2 submissions from 2 submitters: Uncertain significance (2). Last evaluated 2023-09-21.

Conditions:
Inborn genetic diseases. Identifiers: MedGen C0950123, MeSH D030342.
Congenital myasthenic syndrome 15. Also called: Myasthenic syndrome, congenital, 15, without tubular aggregates. Identifiers: Orphanet 353327, Orphanet 590, MedGen C4015596, MONDO:0014542, OMIM 616227.

Allele frequency attached by ClinVar (database versions not stated): gnomAD exomes below 0.00001; gnomAD 0.00001; TOPMed 0.00002.
gnomAD v4.1: 5 of 1,613,950 alleles (0.00031%); highest among the groups gnomAD compares: Admixed American, 0.0017%; no homozygotes.

Submissions (2):

Ambry Genetics
Classification: Uncertain significance for Inborn genetic diseases. Last evaluated: 2023-09-21. Review status: criteria provided, single submitter. Criteria: Ambry Variant Classification Scheme 2023. Collection method: clinical testing. Allele origin: germline.

Labcorp Genetics (formerly Invitae), Labcorp
Classification: Uncertain significance for Congenital myasthenic syndrome 15. Last evaluated: 2022-06-27. Review status: criteria provided, single submitter. Criteria: Invitae Variant Classification Sherloc (09022015). Collection method: clinical testing. Allele origin: germline.
Comment: This sequence change replaces asparagine, which is neutral and polar, with serine, which is neutral and polar, at codon 82 of the ALG14 protein (p.Asn82Ser). In summary, the available evidence is currently insufficient to determine the role of this variant in disease. Therefore, it has been classified as a Variant of Uncertain Significance. Algorithms developed to predict the effect of missense changes on protein structure and function output the following: SIFT: "Tolerated"; PolyPhen-2: "Benign"; Align-GVGD: "Class C0". The serine amino acid residue is found in multiple mammalian species, which suggests that this missense change does not adversely affect protein function. ClinVar contains an entry for this variant (Variation ID: 842849). This variant has not been reported in the literature in individuals affected with ALG14-related conditions. This variant is present in population databases (no rsID available, gnomAD 0.0009%).